The following is an entry in ClinVar:

NM_024675.4(PALB2):c.49-15T>C

Gene: PALB2 (partner and localizer of BRCA2; minus strand). Cytogenetic location: 16p12.2.
Variant type: single nucleotide variant.
Coding change: c.49-15T>C on transcript NM_024675.4 (MANE Select); 15 bases into the intron before coding-DNA position 49, T replaced by C.
Molecular consequence: intron variant.
Genome position (GRCh38, 1-based): chr16:23,638,144, A>G on the plus strand (T>C on the coding strand, the complement: PALB2 is on the minus strand). VCF-style: chr16-23638144-A-G. GRCh37 (hg19) VCF-style: chr16-23649465-A-G.
Other names: c.-105+2966T>C (NM_001407312.1, NM_001407313.1); c.49-192T>C (NM_001407296.1); c.49-15T>C (NM_001407297.1, NM_001407302.1, NM_001407298.1 and 3 more transcripts); c.-837-15T>C (NM_001407307.1, NM_001407309.1, NM_001407311.1 and 5 more transcripts); c.48+2966T>C (NM_001407314.1).
Identifiers: ClinVar variation 3666171 (VCV003666171.3).

ClinVar aggregate classification (germline): Likely benign. Review status: criteria provided, multiple submitters, no conflicts (2 of 4 stars). 2 submissions from 2 submitters: Likely benign (2). Last evaluated 2025-01-09.

Conditions:
Familial cancer of breast. Also called: hereditary breast carcinoma; Hereditary breast cancer; BREAST CANCER, FAMILIAL. Identifiers: Orphanet 227535, MedGen C0346153, MONDO:0016419, OMIM 114480. Disease mechanism: loss of function.

Submissions (2):

Myriad Genetics, Inc.
Classification: Likely benign for Familial cancer of breast. Last evaluated: 2025-01-09. Review status: criteria provided, single submitter. Criteria: Myriad Autosomal Dominant, Autosomal Recessive and X-Linked Classification Criteria (2023). Collection method: clinical testing. Allele origin: unknown.
Comment: This variant is considered likely benign. This variant is intronic and is not expected to impact mRNA splicing.

Labcorp Genetics (formerly Invitae), Labcorp
Classification: Likely benign for Familial cancer of breast. Last evaluated: 2024-12-17. Review status: criteria provided, single submitter. Criteria: Invitae Variant Classification Sherloc (09022015). Collection method: clinical testing. Allele origin: germline.